The following is an entry in ClinVar:

NM_000465.4(BARD1):c.1162A>C (p.Ile388Leu)

Gene: BARD1 (BRCA1 associated RING domain 1; minus strand). Cytogenetic location: 2q35.
Variant type: single nucleotide variant.
Coding change: c.1162A>C on transcript NM_000465.4 (MANE Select); coding-DNA position 1162, A replaced by C.
Protein change: p.Ile388Leu; replaces isoleucine 388 with leucine.
Molecular consequence: missense variant. On other transcripts: non-coding transcript variant (2), intron variant (3).
Genome position (GRCh38, 1-based): chr2:214,780,712, T>G on the plus strand (A>C on the coding strand, the complement: BARD1 is on the minus strand). VCF-style: chr2-214780712-T-G. GRCh37 (hg19) VCF-style: chr2-215645436-T-G.
Other names: NP_000456.2:p.Ile388Leu; c.1162A>C (NM_000465.2); c.1105A>C, p.Ile369Leu (NM_001282543.2); c.159-28157A>C (NM_001282548.2); c.215+16349A>C (NM_001282545.2); c.364+11585A>C (NM_001282549.2); short protein forms I388L, I369L.
Identifiers: ClinVar variation 460693 (VCV000460693.15), dbSNP rs1553622215, ClinGen allele CA350453915.

ClinVar aggregate classification (germline): Conflicting classifications of pathogenicity. Review status: criteria provided, conflicting classifications (1 of 4 stars). 3 submissions from 3 submitters: Uncertain significance (1); Likely benign (2). Last evaluated 2025-04-22.

Conditions:
Hereditary breast ovarian cancer syndrome. Also called: Hereditary breast and ovarian cancer syndrome; Hereditary breast and ovarian cancer syndrome (HBOC); Hereditary breast and ovarian cancer; BRCA1- and BRCA2-Associated Hereditary Breast and Ovarian Cancer; Breast and ovarian cancer; Hereditary breast and/or ovarian cancer syndrome. Identifiers: Orphanet 145, MedGen C0677776, MeSH D061325, MONDO:0003582. Disease mechanism: loss of function.
Familial cancer of breast. Also called: BREAST CANCER, FAMILIAL; hereditary breast carcinoma; Hereditary breast cancer. Identifiers: Orphanet 227535, MedGen C0346153, MONDO:0016419, OMIM 114480. Disease mechanism: loss of function.
Hereditary cancer-predisposing syndrome. Also called: Neoplastic Syndromes, Hereditary; Tumor predisposition; Hereditary Cancer Syndrome; Hereditary neoplastic syndrome. Identifiers: Orphanet 140162, MedGen C0027672, MeSH D009386, MONDO:0015356.

Submissions (3):

Labcorp Genetics (formerly Invitae), Labcorp
Classification: Uncertain significance for Familial cancer of breast. Last evaluated: 2025-04-22. Review status: criteria provided, single submitter. Criteria: Invitae Variant Classification Sherloc (09022015). Collection method: clinical testing. Allele origin: germline.
Comment: This sequence change replaces isoleucine, which is neutral and non-polar, with leucine, which is neutral and non-polar, at codon 388 of the BARD1 protein (p.Ile388Leu). This variant is not present in population databases (gnomAD no frequency). This variant has not been reported in the literature in individuals affected with BARD1-related conditions. ClinVar contains an entry for this variant (Variation ID: 460693). An algorithm developed to predict the effect of missense changes on protein structure and function outputs the following: PolyPhen-2: "Benign". The leucine amino acid residue is found in multiple mammalian species, which suggests that this missense change does not adversely affect protein function. In summary, the available evidence is currently insufficient to determine the role of this variant in disease. Therefore, it has been classified as a Variant of Uncertain Significance.

Ambry Genetics
Classification: Likely benign for Hereditary cancer-predisposing syndrome. Last evaluated: 2024-02-26. Review status: criteria provided, single submitter. Criteria: Ambry Variant Classification Scheme 2023. Collection method: clinical testing. Allele origin: germline.

National Health Laboratory Service, Universitas Academic Hospital and University of the Free State
Classification: Likely benign for Hereditary breast ovarian cancer syndrome. Last evaluated: 2022-04-19. Review status: criteria provided, single submitter. Criteria: ACMG Guidelines, 2015. Collection method: clinical testing. Allele origin: germline. Affected: yes. Observed: 1 variant allele.